The following is an entry in ClinVar:

ClinVar aggregate classification (germline): Pathogenic (1 of 4 stars; one submission).

Conditions:
Arrhythmogenic right ventricular dysplasia 10. Also called: Arrhythmogenic Right Ventricular Dysplasia/Cardiomyopathy10; Arrhythmogenic right ventricular dysplasia/cardiomyopathy, type 10; ARRHYTHMOGENIC RIGHT VENTRICULAR DYSPLASIA, FAMILIAL, 10. Identifiers: MedGen C1857777, MONDO:0012434, OMIM 610193.

gnomAD v4.1: 1 of 1,614,084 alleles (0.000062%); highest among the groups gnomAD compares: Admixed American, 0.0017%; no homozygotes.

Submission:

Labcorp Genetics (formerly Invitae), Labcorp
Classification: Pathogenic for Arrhythmogenic right ventricular dysplasia 10. Last evaluated: 2024-04-17. Review status: criteria provided, single submitter. Criteria: Invitae Variant Classification Sherloc (09022015). Collection method: clinical testing. Allele origin: germline.
Comment: This sequence change creates a premature translational stop signal (p.Arg427*) in the DSG2 gene. It is expected to result in an absent or disrupted protein product. Loss-of-function variants in DSG2 are known to be pathogenic (PMID: 17105751, 31386562). This variant is present in population databases (no rsID available, gnomAD 0.003%). This variant has not been reported in the literature in individuals affected with DSG2-related conditions. For these reasons, this variant has been classified as Pathogenic.

Literature cited by the submitters: PubMed 17105751; PubMed 31386562.

NM_001943.5(DSG2):c.1279A>T (p.Arg427Ter)

Gene: DSG2 (desmoglein 2; plus strand). Cytogenetic location: 18q12.1.
Variant type: single nucleotide variant.
Coding change: c.1279A>T on transcript NM_001943.5 (MANE Select); coding-DNA position 1279, A replaced by T.
Protein change: p.Arg427Ter; replaces arginine 427 with a stop codon.
Molecular consequence: nonsense.
Genome position (GRCh38, 1-based): chr18:31,531,251, A>T. VCF-style: chr18-31531251-A-T. GRCh37 (hg19) VCF-style: chr18-29111214-A-T.
Other names: short protein forms R427*.
Identifiers: ClinVar variation 3702235 (VCV003702235.2).